The following is an entry in ClinVar:

NM_013432.5(TONSL):c.2253C>T (p.Gly751=)

Genes: TONSL (tonsoku like, DNA repair protein; minus strand), TONSL-AS1 (TONSL antisense RNA 1; plus strand). Cytogenetic location: 8q24.3.
Variant type: single nucleotide variant.
Coding change: c.2253C>T on transcript NM_013432.5 (MANE Select); coding-DNA position 2253, C replaced by T.
Protein change: p.Gly751=; no amino-acid change (glycine 751 retained).
Molecular consequence: synonymous variant.
Genome position (GRCh38, 1-based): chr8:144,436,180, G>A on the plus strand (C>T on the coding strand, the complement: TONSL is on the minus strand). VCF-style: chr8-144436180-G-A. GRCh37 (hg19) VCF-style: chr8-145661563-G-A.
Identifiers: ClinVar variation 1420620 (VCV001420620.16), dbSNP rs756871428, ClinGen allele CA4942880.

ClinVar aggregate classification (germline): Likely benign. Review status: criteria provided, multiple submitters, no conflicts (2 of 4 stars). 3 submissions from 3 submitters: Likely benign (3). Last evaluated 2026-03-01.

Allele frequency attached by ClinVar (database versions not stated): TOPMed 0.00002; gnomAD 0.00003; gnomAD exomes 0.00008; ExAC 0.00012.
gnomAD v4.1: 46 of 1,575,844 alleles (0.0029%); highest among the groups gnomAD compares: Middle Eastern, 0.12%; no homozygotes.

Submissions (3):

CeGaT Center for Human Genetics Tuebingen
Classification: Likely benign. Last evaluated: 2026-03-01. Review status: criteria provided, single submitter. Criteria: CeGaT Center For Human Genetics Tuebingen Variant Classification Criteria Version 2. Collection method: clinical testing. Allele origin: germline. Affected: yes. Observed: 2 variant alleles.
Comment: TONSL: BP4, BP7

Labcorp Genetics (formerly Invitae), Labcorp
Classification: Likely benign. Last evaluated: 2025-12-24. Review status: criteria provided, single submitter. Criteria: Invitae Variant Classification Sherloc (09022015). Collection method: clinical testing. Allele origin: germline.

Blueprint Genetics
Classification: Likely benign. Last evaluated: 2024-04-04. Review status: criteria provided, single submitter. Criteria: ACMG Guidelines, 2015. Collection method: clinical testing. Allele origin: germline.